The following is an entry in ClinVar:

NM_014285.7(EXOSC2):c.427G>A (p.Ala143Thr)

Gene: EXOSC2 (exosome component 2; plus strand). Cytogenetic location: 9q34.12.
Variant type: single nucleotide variant.
Coding change: c.427G>A on transcript NM_014285.7 (MANE Select); coding-DNA position 427, G replaced by A.
Protein change: p.Ala143Thr; replaces alanine 143 with threonine.
Molecular consequence: missense variant. On other transcripts: intron variant (1).
Genome position (GRCh38, 1-based): chr9:130,700,867, G>A. VCF-style: chr9-130700867-G-A. GRCh37 (hg19) VCF-style: chr9-133576254-G-A.
Other names: c.337G>A, p.Ala113Thr (NM_001282709.1); c.427-1276G>A (NM_001282708.1); short protein forms A113T, A143T.
Identifiers: ClinVar variation 1020925 (VCV001020925.8), dbSNP rs201226761, ClinGen allele CA375247628.

ClinVar aggregate classification (germline): Uncertain significance (1 of 4 stars; one submission).

Submission:

Labcorp Genetics (formerly Invitae), Labcorp
Classification: Uncertain significance. Last evaluated: 2020-03-18. Review status: criteria provided, single submitter. Criteria: Invitae Variant Classification Sherloc (09022015). Collection method: clinical testing. Allele origin: germline.
Comment: In summary, the available evidence is currently insufficient to determine the role of this variant in disease. Therefore, it has been classified as a Variant of Uncertain Significance. Algorithms developed to predict the effect of sequence changes on RNA splicing suggest that this variant may disrupt the consensus splice site, but this prediction has not been confirmed by published transcriptional studies. Algorithms developed to predict the effect of missense changes on protein structure and function (SIFT, PolyPhen-2, Align-GVGD) all suggest that this variant is likely to be disruptive, but these predictions have not been confirmed by published functional studies and their clinical significance is uncertain. This variant has been observed in individual(s) with clinical features of EXOSC2-related disease (Invitae). This variant is not present in population databases (ExAC no frequency). This sequence change replaces alanine with threonine at codon 143 of the EXOSC2 protein (p.Ala143Thr). The alanine residue is highly conserved and there is a small physicochemical difference between alanine and threonine.